The following is an entry in ClinVar:

ClinVar aggregate classification (germline): Likely benign. Review status: criteria provided, multiple submitters, no conflicts (2 of 4 stars). 2 submissions from 2 submitters: Likely benign (2). Last evaluated 2018-01-12.

Conditions:
Corneal dystrophy. Identifiers: Orphanet 34533, MedGen C0010036, MONDO:0018102, HP:0001131.

Allele frequency attached by ClinVar (database versions not stated): gnomAD exomes 0.00016 and 0.00034; ExAC 0.00038; 1000 Genomes Project 30x 0.00062; 1000 Genomes Project 0.00080; gnomAD 0.00129 and 0.00139; ESP Exome Variant Server 0.00139; TOPMed 0.00142.
gnomAD v4.1: 463 of 1,613,858 alleles (0.029%); highest among the groups gnomAD compares: African/African-American, 0.46%; 2 homozygotes.

Submissions (2):

Illumina Laboratory Services, Illumina
Classification: Likely benign for Corneal dystrophy. Last evaluated: 2018-01-12. Review status: criteria provided, single submitter. Criteria: ICSL Variant Classification Criteria 13 December 2019. Collection method: clinical testing. Allele origin: germline.
Comment: This variant was observed in the ICSL laboratory as part of a predisposition screen in an ostensibly healthy population. It had not been previously curated by ICSL or reported in the Human Gene Mutation Database (HGMD: prior to June 1st, 2018), and was therefore a candidate for classification through an automated scoring system. Utilizing variant allele frequency, disease prevalence and penetrance estimates, and inheritance mode, an automated score was calculated to assess if this variant is too frequent to cause the disease. Based on the score and internal cut-off values, a variant classified as likely benign is not then subjected to further curation. The score for this variant resulted in a classification of likely benign for this disease.

Breakthrough Genomics
Classification: Likely benign. Review status: criteria provided, single submitter. Criteria: ACMG Guidelines, 2015. Collection method: not provided. Allele origin: germline. Inheritance: Autosomal dominant inheritance. Affected: yes.

NM_000358.3(TGFBI):c.1645G>A (p.Ala549Thr)

Gene: TGFBI (transforming growth factor beta induced; plus strand). Cytogenetic location: 5q31.1.
Variant type: single nucleotide variant.
Coding change: c.1645G>A on transcript NM_000358.3 (MANE Select); coding-DNA position 1645, G replaced by A.
Protein change: p.Ala549Thr; replaces alanine 549 with threonine.
Molecular consequence: missense variant.
Genome position (GRCh38, 1-based): chr5:136,056,762, G>A. VCF-style: chr5-136056762-G-A. GRCh37 (hg19) VCF-style: chr5-135392451-G-A.
Other names: short protein forms A549T.
Identifiers: ClinVar variation 904476 (VCV000904476.5), dbSNP rs202066916, ClinGen allele CA3420476.